The following is an entry in ClinVar:

NM_004380.3(CREBBP):c.1327C>T (p.Gln443Ter)

Gene: CREBBP (CREB binding lysine acetyltransferase; minus strand). Cytogenetic location: 16p13.3.
Variant type: single nucleotide variant.
Coding change: c.1327C>T on transcript NM_004380.3 (MANE Select); coding-DNA position 1327, C replaced by T.
Protein change: p.Gln443Ter; replaces glutamine 443 with a stop codon.
Molecular consequence: nonsense. On other transcripts: intron variant (1).
Genome position (GRCh38, 1-based): chr16:3,791,984, G>A on the plus strand (C>T on the coding strand, the complement: CREBBP is on the minus strand). VCF-style: chr16-3791984-G-A. GRCh37 (hg19) VCF-style: chr16-3841985-G-A.
Other names: c.1216+1402C>T (NM_001079846.1); short protein forms Q443*.
Identifiers: ClinVar variation 2128976 (VCV002128976.4), dbSNP rs2053517680, ClinGen allele CA394560450.
Genomic context (GRCh38, chr16:3,791,984, plus strand): 5'-CTTTAGAAACAACTTCTATTCTCATCTCCAAGCTTCTCTGCCCCCGTGCTCACTTACTTT[G>A]TTGGTTTCGCTTGTCACTGGCATTTTTCAAAGGGAGGCAAACAGGACAGTCATGTCGTGT-3'

ClinVar aggregate classification (germline): Pathogenic (1 of 4 stars; one submission).

Conditions:
Rubinstein-Taybi syndrome (RSTS). Identifiers: Orphanet 783, MedGen C0035934, MONDO:0019188.

Submission:

Labcorp Genetics (formerly Invitae), Labcorp
Classification: Pathogenic for Rubinstein-Taybi syndrome. Last evaluated: 2022-04-21. Review status: criteria provided, single submitter. Criteria: Invitae Variant Classification Sherloc (09022015). Collection method: clinical testing. Allele origin: germline.
Comment: For these reasons, this variant has been classified as Pathogenic. This variant has not been reported in the literature in individuals affected with CREBBP-related conditions. This variant is not present in population databases (gnomAD no frequency). This sequence change creates a premature translational stop signal (p.Gln443*) in the CREBBP gene. It is expected to result in an absent or disrupted protein product. Loss-of-function variants in CREBBP are known to be pathogenic (PMID: 17052327, 18792986).

Literature cited by the submitters: PubMed 17052327; PubMed 18792986.